The following is an entry in ClinVar:

NM_000261.2(MYOC):c.1432G>T (p.Asp478Tyr)

Gene: MYOC (myocilin; minus strand). Cytogenetic location: 1q24.3.
Variant type: single nucleotide variant.
Coding change: c.1432G>T on transcript NM_000261.2 (MANE Select); coding-DNA position 1432, G replaced by T.
Protein change: p.Asp478Tyr; replaces aspartic acid 478 with tyrosine.
Molecular consequence: missense variant.
Genome position (GRCh38, 1-based): chr1:171,636,008, C>A on the plus strand (G>T on the coding strand, the complement: MYOC is on the minus strand). VCF-style: chr1-171636008-C-A. GRCh37 (hg19) VCF-style: chr1-171605148-C-A.
Other names: NM_000261.2:c.1432G>T; short protein forms D478Y.
Identifiers: ClinVar variation 2500834 (VCV002500834.2), dbSNP rs2527838071, ClinGen allele CA343723197.

ClinVar aggregate classification (germline): Uncertain significance (3 of 4 stars; one submission).

Conditions:
Open-angle glaucoma. Identifiers: MedGen C0017612, MONDO:0005338, HP:0012108.

Submission:

ClinGen Glaucoma Variant Curation Expert Panel
Classification: Uncertain significance for Open-angle glaucoma. Last evaluated: 2026-02-04. Review status: reviewed by expert panel. Criteria: ClinGen Glaucoma ACMG Specifications V2.0.0 Approved. Collection method: curation. Allele origin: germline. Inheritance: Autosomal dominant inheritance.
Comment: The c.1432G>T variant in MYOC is a missense variant predicted to cause substitution of Aspartic Acid by Tyrosine at amino acid 478 (p.Asp478Tyr). This variant was not found in any genetic ancestry group of gnomAD (v4.1.0), meeting the ≤ 0.0001 threshold set for PM2_Supporting in a genetic ancestry group of at least 10,000 alleles. The REVEL score = 0.894, which was within the 0.773-0.931 range for PP3_Moderate, predicting a damaging effect on MYOC function. There was no functional evidence predicting a damaging or benign impact of this variant on MYOC function. Only 1 proband with juvenile open angle glaucoma had been reported (PMID: 30076350), not meeting the ≥ 2 probands threshold required to meet PS4_Supporting. In summary, this variant met the criteria to receive a score of 3 and to be classified as a variant of uncertain significance (uncertain significance classification range -1 to 5, adapted from PMID: 32720330) for juvenile open angle glaucoma based on the ACMG/AMP criteria met, as specified by the ClinGen Glaucoma VCEP (v2.0.0, 5 Dec 2024): PP3_Moderate, PM2_Supporting.